The following is an entry in ClinVar:

NM_000155.4(GALT):c.507+17C>T

Gene: GALT (galactose-1-phosphate uridylyltransferase; plus strand). Cytogenetic location: 9p13.3.
Variant type: single nucleotide variant.
Coding change: c.507+17C>T on transcript NM_000155.4 (MANE Select); 17 bases into the intron after coding-DNA position 507, C replaced by T.
Molecular consequence: intron variant.
Genome position (GRCh38, 1-based): chr9:34,647,978, C>T. VCF-style: chr9-34647978-C-T. GRCh37 (hg19) VCF-style: chr9-34647975-C-T.
Other names: c.180+17C>T (NM_001258332.2).
Identifiers: ClinVar variation 495678 (VCV000495678.6), dbSNP rs747136664, ClinGen allele CA5036134.

ClinVar aggregate classification (germline): Likely benign. Review status: criteria provided, multiple submitters, no conflicts (2 of 4 stars). 2 submissions from 2 submitters: Likely benign (2). Last evaluated 2025-01-08.

Conditions:
Deficiency of UDPglucose-hexose-1-phosphate uridylyltransferase. Also called: GALT deficiency; Galactosemia, classic; Transferase Deficiency Galactosemia; GALACTOSE-1-PHOSPHATE URIDYLYLTRANSFERASE DEFICIENCY; GALACTOSEMIA I. Identifiers: Orphanet 352, Orphanet 79239, MedGen C0268151, MONDO:0009258, OMIM 230400.

Allele frequency attached by ClinVar (database versions not stated): gnomAD exomes 0.00002; ExAC 0.00003.
gnomAD v4.1: 11 of 1,614,192 alleles (0.00068%); highest among the groups gnomAD compares: South Asian, 0.0055%; no homozygotes.

Submissions (2):

Women's Health and Genetics/Laboratory Corporation of America, LabCorp
Classification: Likely benign. Last evaluated: 2025-01-08. Review status: criteria provided, single submitter. Criteria: LabCorp Variant Classification Summary - May 2015. Collection method: clinical testing. Allele origin: germline.
Comment: Variant summary: GALT c.507+17C>T alters a nucleotide located at a position not widely known to affect splicing. Consensus agreement among computation tools predict no significant impact on normal splicing. However, these predictions have yet to be confirmed by functional studies. The variant allele was found at a frequency of 2e-05 in 251254 control chromosomes. The available data on variant occurrences in the general population are insufficient to allow any conclusion about variant significance. To our knowledge, no occurrence of c.507+17C>T in individuals affected with Galactosemia and no experimental evidence demonstrating its impact on protein function have been reported. ClinVar contains an entry for this variant (Variation ID: 495678). Based on the evidence outlined above, the variant was classified as likely benign.

Labcorp Genetics (formerly Invitae), Labcorp
Classification: Likely benign for Deficiency of UDPglucose-hexose-1-phosphate uridylyltransferase. Last evaluated: 2024-07-01. Review status: criteria provided, single submitter. Criteria: Invitae Variant Classification Sherloc (09022015). Collection method: clinical testing. Allele origin: germline.